The following is an entry in ClinVar:

NM_002025.4(AFF2):c.2614G>C (p.Glu872Gln)

Gene: AFF2 (ALF transcription elongation factor 2; plus strand). Cytogenetic location: Xq28.
Variant type: single nucleotide variant.
Coding change: c.2614G>C on transcript NM_002025.4 (MANE Select); coding-DNA position 2614, G replaced by C.
Protein change: p.Glu872Gln; replaces glutamic acid 872 with glutamine.
Molecular consequence: missense variant.
Genome position (GRCh38, 1-based): chrX:148,958,382, G>C. VCF-style: chrX-148958382-G-C. GRCh37 (hg19) VCF-style: chrX-148039912-G-C.
Other names: c.2584G>C, p.Glu862Gln (NM_001169123.2); c.2509G>C, p.Glu837Gln (NM_001169124.2); c.2497G>C, p.Glu833Gln (NM_001169125.2); c.1537G>C, p.Glu513Gln (NM_001170628.1); c.2515G>C, p.Glu839Gln (NM_001169122.2); c.2614G>C (NM_002025.3); short protein forms E513Q, E833Q, E837Q, E839Q, E862Q, E872Q.
Identifiers: ClinVar variation 1305777 (VCV001305777.7), dbSNP rs2072067846, ClinGen allele CA414515965.
Genomic context (GRCh38, chrX:148,958,382, plus strand): 5'-TTTTCCCTGTTAAAGCCAATAGAAGTTGCAGAGAAGATCCCTGAGAAGAAGCAGCGCCTG[G>C]AGGAGGCCACAACTATCTGCTTGCTCCCTCCTTGCATCTCACCAGCCCCACCCCACAAGC-3'
Protein context (NP_002016.2, residues 862-882): EKIPEKKQRL[Glu872Gln]EATTICLLPP

ClinVar aggregate classification (germline): Uncertain significance. Review status: criteria provided, multiple submitters, no conflicts (2 of 4 stars). 3 submissions from 3 submitters: Uncertain significance (3). Last evaluated 2025-09-01.

Conditions:
FRAXE. Also called: FRAXE Syndrome; FRAXE intellectual disability; Intellectual disability, X-linked, FRAXE type; Fragile XE syndrome; Intellectual developmental disorder, X-linked 109. Identifiers: Orphanet 100973, MedGen C0751157, MONDO:0010659, OMIM 309548. Disease mechanism: loss of function.
Inborn genetic diseases. Identifiers: MedGen C0950123, MeSH D030342.

Allele frequency attached by ClinVar (database versions not stated): gnomAD 0.00001; TOPMed 0.00001.
gnomAD v4.1: 1 of 1,208,976 alleles (0.000083%); highest among the groups gnomAD compares: Admixed American, 0.0022%; no homozygotes.

Submissions (3):

Ambry Genetics
Classification: Uncertain significance for Inborn genetic diseases. Last evaluated: 2025-09-01. Review status: criteria provided, single submitter. Criteria: Ambry Variant Classification Scheme 2023. Collection method: clinical testing. Allele origin: germline.

GeneDx
Classification: Uncertain significance. Last evaluated: 2025-04-10. Review status: criteria provided, single submitter. Criteria: GeneDx Variant Classification Process June 2021. Collection method: clinical testing. Allele origin: germline. Affected: yes.
Comment: Not observed in large population cohorts (gnomAD); In silico analysis supports that this missense variant does not alter protein structure/function; Has not been previously published as pathogenic or benign to our knowledge

ARUP Laboratories, Molecular Genetics and Genomics, ARUP Laboratories
Classification: Uncertain significance for FRAXE. Last evaluated: 2022-04-06. Review status: criteria provided, single submitter. Criteria: ARUP Molecular Germline Variant Investigation Process 2021. Collection method: clinical testing. Allele origin: germline.